The following is an entry in ClinVar:

ClinVar aggregate classification (germline): Uncertain significance (1 of 4 stars; one submission).

gnomAD v4.1: 5 of 1,613,910 alleles (0.00031%); highest among the groups gnomAD compares: African/African-American, 0.0053%; no homozygotes.

Submission:

GeneDx
Classification: Uncertain significance. Last evaluated: 2025-08-07. Review status: criteria provided, single submitter. Criteria: GeneDx Variant Classification Process June 2021. Collection method: clinical testing. Allele origin: germline. Affected: yes.
Comment: In silico analysis suggests that this missense variant does not alter protein structure/function; Has not been previously published as pathogenic or benign to our knowledge

NM_000141.5(FGFR2):c.1375A>T (p.Met459Leu)

Gene: FGFR2 (fibroblast growth factor receptor 2; minus strand). Cytogenetic location: 10q26.13.
Variant type: single nucleotide variant.
Coding change: c.1375A>T on transcript NM_000141.5 (MANE Select); coding-DNA position 1375, A replaced by T.
Protein change: p.Met459Leu; replaces methionine 459 with leucine.
Molecular consequence: missense variant. On other transcripts: non-coding transcript variant (1).
Genome position (GRCh38, 1-based): chr10:121,503,854, T>A on the plus strand (A>T on the coding strand, the complement: FGFR2 is on the minus strand). VCF-style: chr10-121503854-T-A. GRCh37 (hg19) VCF-style: chr10-123263368-T-A.
Other names: c.1378A>T, p.Met460Leu (NM_001144913.1, NM_022970.4); c.1039A>T, p.Met347Leu (NM_001144914.1); c.1108A>T, p.Met370Leu (NM_001144915.2, NM_023029.3); c.1030A>T, p.Met344Leu (NM_001144916.2, NM_001441090.1); c.1027A>T, p.Met343Leu (NM_001144917.2); c.1024A>T, p.Met342Leu (NM_001144918.2, NM_001441091.1); c.1111A>T, p.Met371Leu (NM_001144919.2); c.691A>T, p.Met231Leu (NM_001320654.2); and 4 more; short protein forms M231L, M342L, M343L, M344L, M347L, M368L, M369L, M370L.
Identifiers: ClinVar variation 4755844 (VCV004755844.1).